The following is an entry in ClinVar:

Single allele

Genes: KLHDC7B-DT (KLHDC7B divergent transcript; minus strand), LINC03232 (long independently transcribed non-coding RNA 3232; plus strand), LMF2 (lipase maturation factor 2; minus strand), ACR (acrosin; plus strand), ADM2 (adrenomedullin 2; plus strand) and 60 more. Cytogenetic location: 22q13.33.
Variant type: Deletion.
Identifiers: ClinVar variation 4819215 (VCV004819215.1).

ClinVar aggregate classification (germline): Pathogenic (1 of 4 stars; one submission).

Conditions:
Phelan-McDermid syndrome. Also called: TELOMERIC 22q13 MONOSOMY SYNDROME; 22q13.3 deletion syndrome; Phelan-McDermid Syndrome-SHANK3 Related. Identifiers: Orphanet 48652, MedGen C1853490, MONDO:0011652, OMIM 606232.

Submission:

Broad Center for Mendelian Genomics, Broad Institute of MIT and Harvard
Classification: Pathogenic for Phelan-McDermid syndrome. Last evaluated: 2023-05-01. Review status: criteria provided, single submitter. Criteria: ACMG/ClinGen CNV Guidelines, 2019. Collection method: research. Allele origin: germline. Inheritance: Autosomal dominant inheritance. Affected: yes.
Comment: These breakpoints have been called by exome sequencing only and therefore may not reflect the true breakpoints. The patient phenotype is nonspecific, but is consistent with cases described in the literature and/or published databases with overlapping variants. There is complete overlap with the SHANK3 gene which is known to be haploinsufficient and has been assessed by the ClinGen Dosage Sensitivity Working Group. Data from large population studies are insufficient to assess the frequency of this variant. In summary, this variant meets criteria to be classified as pathogenic for Phelan-McDermid syndrome. The ACMG/ClinGen evidence codes and points used in this curation are as follows: 1: 0 points, 2: 1 points, 3: 0 points, 4-5: 0.1 points; Total: 1.1 points; Riggs 2020 (PMID: 31690835).